The following is an entry in ClinVar:

ClinVar aggregate classification (germline): Uncertain significance. Review status: criteria provided, multiple submitters, no conflicts (2 of 4 stars). 9 submissions from 9 submitters: Uncertain significance (9). Last evaluated 2026-03-11.

Conditions:
DES-related disorder. Also called: DES-related condition.
Cardiovascular phenotype. Identifiers: MedGen CN230736.
Desmin-related myofibrillar myopathy (MFM1). Also called: MYOFIBRILLAR MYOPATHY WITH ARRHYTHMOGENIC RIGHT VENTRICULAR CARDIOMYOPATHY; DESMIN-RELATED MYOPATHY WITH ARRHYTHMOGENIC RIGHT VENTRICULAR CARDIOMYOPATHY; Desminopathy; Desmin related myopathy (former name); Desmin storage myopathy (former name); Myofibrillar myopathy 1. Identifiers: Orphanet 363543, Orphanet 98909, MedGen C1832370, MONDO:0011076, OMIM 601419.
Neurogenic scapuloperoneal syndrome, Kaeser type (SCPNK). Also called: KAESER SYNDROME. Identifiers: Orphanet 85146, MedGen C1867005, MONDO:0008407, OMIM 181400.
Dilated cardiomyopathy 1I (CMD1I). Identifiers: Orphanet 154, MedGen C1858154, MONDO:0011482, OMIM 604765.

Allele frequency attached by ClinVar (database versions not stated): gnomAD 0.00003; gnomAD exomes 0.00003; TOPMed 0.00003; ExAC 0.00005.
gnomAD v4.1: 47 of 1,613,972 alleles (0.0029%); highest among the groups gnomAD compares: Non-Finnish European, 0.0038%; no homozygotes.

Submissions (9):

PreventionGenetics, part of Exact Sciences
Classification: Uncertain significance for DES-related condition. Last evaluated: 2026-03-11. Review status: criteria provided, single submitter. Criteria: ACMG Guidelines, 2015. Collection method: clinical testing. Allele origin: germline.
Comment: The DES c.1064G>A variant is predicted to result in the amino acid substitution p.Arg355Gln. This variant has been reported in individuals with peripartum cardiomyopathy, hypertrophic cardiomyopathy, or arrhythmogenic cardiomyopathy (Table S3, Goli et al. 2021. PubMed ID: 33874732; Table S3, Lenarduzzi et al. 2023. PubMed ID: 36788754; Bermudez-Jimenez et al. 2024. PubMed ID: 38727660). Functional studies showed that this variant does not affect the filament assembly (Bermudez-Jimenez et al. 2024. PubMed ID: 38727660). This variant is reported in 0.0062% of alleles in individuals of European (Non-Finnish) descent in gnomAD. At this time, the clinical significance of this variant is uncertain due to the absence of conclusive functional and genetic evidence.

Labcorp Genetics (formerly Invitae), Labcorp
Classification: Uncertain significance for Desmin-related myofibrillar myopathy. Last evaluated: 2025-12-16. Review status: criteria provided, single submitter. Criteria: Invitae Variant Classification Sherloc (09022015). Collection method: clinical testing. Allele origin: germline.
Comment: This sequence change replaces arginine, which is basic and polar, with glutamine, which is neutral and polar, at codon 355 of the DES protein (p.Arg355Gln). This variant is present in population databases (rs61368398, gnomAD 0.006%). This missense change has been observed in individual(s) with arrhythmogenic cardiomyopathy and/or hypertrophic cardiomyopathy (PMID: 36788754, 38727660). ClinVar contains an entry for this variant (Variation ID: 411145). Invitae Evidence Modeling of protein sequence and biophysical properties (such as structural, functional, and spatial information, amino acid conservation, physicochemical variation, residue mobility, and thermodynamic stability) has been performed for this missense variant. However, the output from this modeling did not meet the statistical confidence thresholds required to predict the impact of this variant on DES protein function. In summary, the available evidence is currently insufficient to determine the role of this variant in disease. Therefore, it has been classified as a Variant of Uncertain Significance.

Mayo Clinic Laboratories, Mayo Clinic
Classification: Uncertain significance. Last evaluated: 2025-09-26. Review status: criteria provided, single submitter. Criteria: ACMG Guidelines, 2015. Collection method: clinical testing. Allele origin: germline. Observed: 1 variant allele.
Comment: BS3_supporting

CeGaT Center for Human Genetics Tuebingen
Classification: Uncertain significance. Last evaluated: 2025-06-01. Review status: criteria provided, single submitter. Criteria: CeGaT Center For Human Genetics Tuebingen Variant Classification Criteria Version 2. Collection method: clinical testing. Allele origin: germline. Affected: yes. Observed: 1 variant allele.

ARUP Laboratories, Molecular Genetics and Genomics, ARUP Laboratories
Classification: Uncertain significance. Last evaluated: 2025-04-28. Review status: criteria provided, single submitter. Criteria: ARUP Molecular Germline Variant Investigation Process 2024. Collection method: clinical testing. Allele origin: germline.
Comment: The DES c.1064G>A; p.Arg355Gln variant (rs61368398, ClinVar Variation ID: 411145) is reported in the literature in individuals included in cardiomyopathy cohorts (Bermudez-Jimenez 2024, Goli 2021, Lenarduzzi 2023). This variant is found in the non-Finnish European population with an allele frequency of 0.006% (8/129,134 alleles) in the Genome Aggregation Database (v2.1.1). In vitro functional analyses demonstrate normal filament assembly and structures compared to wild-type (Bermudez-Jimenez 2024). Computational analyses are uncertain whether this variant is neutral or deleterious (REVEL: 0.627). Due to limited information, the clinical significance of this variant is uncertain at this time. References: Bermudez-Jimenez FJ et al. Phenotype and Clinical Outcomes in Desmin-Related Arrhythmogenic Cardiomyopathy. JACC Clin Electrophysiol. 2024 Jun;10(6):1178-1190. PMID: 38727660. Goli R et al. Genetic and Phenotypic Landscape of Peripartum Cardiomyopathy. Circulation. 2021 May 11;143(19):1852-1862. PMID: 33874732. Lenarduzzi S et al. Whole-exome sequencing: Clinical characterization of pediatric and adult Italian patients affected by different forms of hereditary cardiovascular diseases. Mol Genet Genomic Med. 2023 May;11(5):e2143. PMID: 36788754.

Blueprint Genetics
Classification: Uncertain significance. Last evaluated: 2024-11-06. Review status: criteria provided, single submitter. Criteria: ACMG Guidelines, 2015. Collection method: clinical testing. Allele origin: germline.

Ambry Genetics
Classification: Uncertain significance for Cardiovascular phenotype. Last evaluated: 2024-08-07. Review status: criteria provided, single submitter. Criteria: Ambry Variant Classification Scheme 2023. Collection method: clinical testing. Allele origin: germline.
Comment: The p.R355Q variant (also known as c.1064G>A), located in coding exon 6 of the DES gene, results from a G to A substitution at nucleotide position 1064. The arginine at codon 355 is replaced by glutamine, an amino acid with highly similar properties. This variant has been detected in a peripartum cardiomyopathy cohort; however, details were limited (Goli R et al. Circulation, 2021 May;143:1852-1862). This amino acid position is highly conserved in available vertebrate species. In addition, the in silico prediction for this alteration is inconclusive. Based on the available evidence, the clinical significance of this variant remains unclear.

Fulgent Genetics
Classification: Uncertain significance for Neurogenic scapuloperoneal syndrome, Kaeser type; Desmin-related myofibrillar myopathy; Dilated cardiomyopathy 1I. Last evaluated: 2021-10-25. Review status: criteria provided, single submitter. Criteria: ACMG Guidelines, 2015. Collection method: clinical testing. Allele origin: unknown.

GeneDx
Classification: Uncertain significance. Last evaluated: 2017-04-06. Review status: criteria provided, single submitter. Criteria: GeneDx Variant Classification (06012015). Collection method: clinical testing. Allele origin: germline. Affected: yes.
Comment: The R355Q variant in the DES gene has not been reported previously as a pathogenic variant, nor as a benign variant, to our knowledge. The R355Q variant was not observed in approximately 6500 individuals of European and African American ancestry in the NHLBI Exome Sequencing Project, indicating it is not a common benign variant in these populations. The R355Q variant is a semi-conservative amino acid substitution, which occurs within the Rod region and coil 2B region at a position that is conserved across species. In silico analysis is inconsistent in its predictions as to whether or not the variant is damaging to the protein structure/function. Missense variants in nearby residues R350W, R350P, A357P, A360P have been reported in the Human Gene Mutation Database in association with DES-related disorders, (Stenson et al., 2014), supporting the functional importance of this region of the protein. We interpret R355Q as a variant of uncertain significance.

Literature cited by the submitters: PubMed 36788754 (cited by Labcorp Genetics (formerly Invitae), Labcorp and Mayo Clinic Laboratories, Mayo Clinic); PubMed 38727660 (cited by Labcorp Genetics (formerly Invitae), Labcorp and Mayo Clinic Laboratories, Mayo Clinic); PubMed 16009553 (cited by Mayo Clinic Laboratories, Mayo Clinic); PubMed 19587455 (cited by Mayo Clinic Laboratories, Mayo Clinic); PubMed 25541946 (cited by Mayo Clinic Laboratories, Mayo Clinic); PubMed 33874732 (cited by Mayo Clinic Laboratories, Mayo Clinic and Ambry Genetics).

NM_001927.4(DES):c.1064G>A (p.Arg355Gln)

Gene: DES (desmin; plus strand). Cytogenetic location: 2q35.
Variant type: single nucleotide variant.
Coding change: c.1064G>A on transcript NM_001927.4 (MANE Select); coding-DNA position 1064, G replaced by A.
Protein change: p.Arg355Gln; replaces arginine 355 with glutamine.
Molecular consequence: missense variant.
Genome position (GRCh38, 1-based): chr2:219,421,380, G>A. VCF-style: chr2-219421380-G-A. GRCh37 (hg19) VCF-style: chr2-220286102-G-A.
Other names: p.Arg355Gln; c.1064G>A (LRG_380t1); short protein forms R355Q.
Identifiers: ClinVar variation 411145 (VCV000411145.23), dbSNP rs61368398, ClinGen allele CA2125234.
Genomic context (GRCh38, chr2:219,421,380, plus strand): 5'-GGGTTCCCCCTCTCCTGCAGAACGATTCCCTGATGAGGCAGATGCGGGAATTGGAGGACC[G>A]ATTTGCCAGTGAGGCCAGTGGCTACCAGGACAACATTGCGCGCCTGGAGGAGGAAATCCG-3'
Protein context (NP_001918.3, residues 345-365): LMRQMRELED[Arg355Gln]FASEASGYQD